The following is an entry in ClinVar:

NM_006421.5(ARFGEF1):c.4598C>A (p.Thr1533Asn)

Gene: ARFGEF1 (ARF guanine nucleotide exchange factor 1; minus strand). Cytogenetic location: 8q13.2.
Variant type: single nucleotide variant.
Coding change: c.4598C>A on transcript NM_006421.5 (MANE Select); coding-DNA position 4598, C replaced by A.
Protein change: p.Thr1533Asn; replaces threonine 1533 with asparagine.
Molecular consequence: missense variant. On other transcripts: non-coding transcript variant (1).
Genome position (GRCh38, 1-based): chr8:67,217,797, G>T on the plus strand (C>A on the coding strand, the complement: ARFGEF1 is on the minus strand). VCF-style: chr8-67217797-G-T. GRCh37 (hg19) VCF-style: chr8-68130032-G-T.
Other names: c.4598C>A, p.Thr1533Asn (NM_001413192.1, NM_001413194.1, NM_001413184.1 and 5 more transcripts); c.3998C>A, p.Thr1333Asn (NM_001413193.1, NM_001413197.1, NM_001413188.1); c.3173C>A, p.Thr1058Asn (NM_001413196.1); c.4592C>A, p.Thr1531Asn (NM_001413190.1); short protein forms T1531N, T1058N, T1333N, T1533N.
Identifiers: ClinVar variation 5007338 (VCV005007338.2).

ClinVar aggregate classification (germline): Uncertain significance (1 of 4 stars; one submission).

Conditions:
Developmental delay, impaired speech, and behavioral abnormalities, with or without seizures (DEDISB). Identifiers: MedGen C5575272, MONDO:0859263, OMIM 619964.

Submission:

Juno Genomics, Hangzhou Juno Genomics, Inc
Classification: Uncertain significance for Developmental delay, impaired speech, and behavioral abnormalities, with or without seizures. Review status: criteria provided, single submitter. Criteria: ACMG Guidelines, 2015. Collection method: clinical testing. Allele origin: germline.
Comment: Absent from controls (or at extremely low frequency if recessive) in Genome Aggregation Database.;Missense variant in a gene that has a low rate of benign missense variation.;Multiple lines of computational evidence suggest no impact on gene or gene product.